The following is an entry in ClinVar:

NM_014285.7(EXOSC2):c.616T>C (p.Tyr206His)

Gene: EXOSC2 (exosome component 2; plus strand). Cytogenetic location: 9q34.12.
Variant type: single nucleotide variant.
Coding change: c.616T>C on transcript NM_014285.7 (MANE Select); coding-DNA position 616, T replaced by C.
Protein change: p.Tyr206His; replaces tyrosine 206 with histidine.
Molecular consequence: missense variant. On other transcripts: non-coding transcript variant (1).
Genome position (GRCh38, 1-based): chr9:130,702,254, T>C. VCF-style: chr9-130702254-T-C. GRCh37 (hg19) VCF-style: chr9-133577641-T-C.
Other names: c.538T>C, p.Tyr180His (NM_001282708.1); c.526T>C, p.Tyr176His (NM_001282709.1); c.616T>C (NM_014285.5); short protein forms Y206H, Y176H, Y180H.
Identifiers: ClinVar variation 862968 (VCV000862968.11), dbSNP rs373884838, ClinGen allele CA5284925.

ClinVar aggregate classification (germline): Uncertain significance. Review status: criteria provided, multiple submitters, no conflicts (2 of 4 stars). 4 submissions from 4 submitters: Uncertain significance (3). 1 of the submissions does not count toward it. Last evaluated 2025-09-02.

Conditions:
Retinal dystrophy. Also called: Inherited retinal dystrophy. Identifiers: Orphanet 71862, MedGen C0854723, MeSH D058499, MONDO:0019118, HP:0000556.
Retinitis pigmentosa-hearing loss-premature aging-short stature-facial dysmorphism syndrome. Also called: Short stature, hearing loss, retinitis pigmentosa, and distinctive facies. Identifiers: Orphanet 494439, MedGen C4540367, MONDO:0044634, OMIM 617763.

Allele frequency attached by ClinVar (database versions not stated): ExAC 0.00002; gnomAD 0.00006; gnomAD exomes 0.00006 and 0.00023; ESP Exome Variant Server 0.00008; TOPMed 0.00015.
gnomAD v4.1: 345 of 1,614,078 alleles (0.021%); highest among the groups gnomAD compares: Non-Finnish European, 0.028%; no homozygotes.

Submissions (4):

Labcorp Genetics (formerly Invitae), Labcorp
Classification: Uncertain significance. Last evaluated: 2025-09-02. Review status: criteria provided, single submitter. Criteria: Invitae Variant Classification Sherloc (09022015). Collection method: clinical testing. Allele origin: germline.
Comment: This sequence change replaces tyrosine, which is neutral and polar, with histidine, which is basic and polar, at codon 206 of the EXOSC2 protein (p.Tyr206His). This variant is present in population databases (rs373884838, gnomAD 0.01%). This variant has not been reported in the literature in individuals affected with EXOSC2-related conditions. ClinVar contains an entry for this variant (Variation ID: 862968). Invitae Evidence Modeling of protein sequence and biophysical properties (such as structural, functional, and spatial information, amino acid conservation, physicochemical variation, residue mobility, and thermodynamic stability) indicates that this missense variant is not expected to disrupt EXOSC2 protein function with a negative predictive value of 80%. In summary, the available evidence is currently insufficient to determine the role of this variant in disease. Therefore, it has been classified as a Variant of Uncertain Significance.

Ambry Genetics
Classification: Uncertain significance. Last evaluated: 2025-01-22. Review status: criteria provided, single submitter. Criteria: Ambry Variant Classification Scheme 2023. Collection method: clinical testing. Allele origin: germline.

Department of Pathology and Laboratory Medicine, Sinai Health System
Classification: Uncertain significance for Retinitis pigmentosa-hearing loss-premature aging-short stature-facial dysmorphism syndrome. Last evaluated: 2023-01-22. Review status: criteria provided, single submitter. Criteria: ACMG Guidelines, 2015. Collection method: research. Allele origin: germline.

Institute of Human Genetics, Univ. Regensburg, Univ. Regensburg
Classification: Uncertain significance for Retinal dystrophy. Last evaluated: 2023-01-01. Review status: no assertion criteria provided. Criteria: ACMG Guidelines, 2015. Collection method: clinical testing. Allele origin: germline. Affected: yes. Not counted in ClinVar's aggregate classification.